The following is an entry in ClinVar:

NM_001114134.2(EPB42):c.776G>A (p.Arg259Gln)

Gene: EPB42 (erythrocyte membrane protein band 4.2; minus strand). Cytogenetic location: 15q15.2.
Variant type: single nucleotide variant.
Coding change: c.776G>A on transcript NM_001114134.2 (MANE Select); coding-DNA position 776, G replaced by A.
Protein change: p.Arg259Gln; replaces arginine 259 with glutamine.
Molecular consequence: missense variant.
Genome position (GRCh38, 1-based): chr15:43,209,330, C>T on the plus strand (G>A on the coding strand, the complement: EPB42 is on the minus strand). VCF-style: chr15-43209330-C-T. GRCh37 (hg19) VCF-style: chr15-43501528-C-T.
Other names: p.Arg289Gln; c.866G>A, p.Arg289Gln (NM_000119.3); short protein forms R259Q, R289Q.
Identifiers: ClinVar variation 3380269 (VCV003380269.1).

ClinVar aggregate classification (germline): Uncertain significance (1 of 4 stars; one submission).

gnomAD v4.1: 30 of 1,614,014 alleles (0.0019%); highest among the groups gnomAD compares: African/African-American, 0.032%; no homozygotes.

Submission:

Mayo Clinic Laboratories, Mayo Clinic
Classification: Uncertain significance. Last evaluated: 2023-12-18. Review status: criteria provided, single submitter. Criteria: ACMG Guidelines, 2015. Collection method: clinical testing. Allele origin: germline. Observed: 1 variant allele.
Comment: BP4, PM2_moderate